The following is an entry in ClinVar:

NR_024274.1(CDKN2A-AS1):n.154T>G

Gene: CDKN2A-AS1 (CDKN2A antisense RNA 1; plus strand). Cytogenetic location: 9p21.3.
Variant type: single nucleotide variant.
Molecular consequence: non-coding transcript variant (on NR_024274.1).
Genome position: GRCh38 VCF-style: chr9-21967292-T-G. GRCh37 (hg19) VCF-style: chr9-21967291-T-G.
Identifiers: ClinVar variation 2659128 (VCV002659128.23), dbSNP rs201859802, ClinGen allele CA5012089.

ClinVar aggregate classification (germline): Likely benign (1 of 4 stars; one submission).

Allele frequency attached by ClinVar (database versions not stated): 1000 Genomes Project 30x 0.00078; 1000 Genomes Project 0.00100; ExAC 0.00159; TOPMed 0.00167; gnomAD 0.00198; gnomAD exomes 0.00222.

Submission:

CeGaT Center for Human Genetics Tuebingen
Classification: Likely benign. Last evaluated: 2022-09-01. Review status: criteria provided, single submitter. Criteria: CeGaT Center For Human Genetics Tuebingen Variant Classification Criteria Version 2. Collection method: clinical testing. Allele origin: germline. Affected: yes. Observed: 1 variant allele.
Comment: CDKN2A-AS1: BP4, BP7